The following is an entry in ClinVar:

ClinVar aggregate classification (germline): Uncertain significance (1 of 4 stars; one submission).

Submission:

Labcorp Genetics (formerly Invitae), Labcorp
Classification: Uncertain significance. Last evaluated: 2022-12-22. Review status: criteria provided, single submitter. Criteria: Invitae Variant Classification Sherloc (09022015). Collection method: clinical testing. Allele origin: germline.
Comment: This sequence change falls in intron 32 of the POLA1 gene. It does not directly change the encoded amino acid sequence of the POLA1 protein. It affects a nucleotide within the consensus splice site. This variant is not present in population databases (gnomAD no frequency). This variant has not been reported in the literature in individuals affected with POLA1-related conditions. Variants that disrupt the consensus splice site are a relatively common cause of aberrant splicing (PMID: 17576681, 9536098). Algorithms developed to predict the effect of sequence changes on RNA splicing suggest that this variant is not likely to affect RNA splicing. In summary, the available evidence is currently insufficient to determine the role of this variant in disease. Therefore, it has been classified as a Variant of Uncertain Significance.

Literature cited by the submitters: PubMed 17576681; PubMed 9536098.

NM_001330360.2(POLA1):c.3736+6_3736+14del

Gene: POLA1 (DNA polymerase alpha 1, catalytic subunit; plus strand). Cytogenetic location: Xp22.11.
Variant type: Deletion.
Coding change: c.3736+6_3736+14del on transcript NM_001330360.2 (MANE Select); bases 6 to 14 of the intron after coding-DNA position 3736, 9 bases deleted (TGTCCCAAG; older notation c.3736+6_3736+14delTGTCCCAAG).
Molecular consequence: intron variant.
Genome position (GRCh38, 1-based): chrX:24,826,607-24,826,615, TGTCCCAAG deleted; deleting any 9 consecutive bases within chrX:24,826,604-24,826,615 gives the same sequence; the c. name uses the placement nearest the transcript's 3' end. VCF-style (leftmost placement, unchanged base first): chrX-24826603-TAAGTGTCCC-T. GRCh37 (hg19) VCF-style: chrX-24844720-TAAGTGTCCC-T.
Other names: c.3661+6_3661+14del (NM_001378303.1); c.3718+6_3718+14del (NM_016937.4).
Identifiers: ClinVar variation 2823356 (VCV002823356.3), dbSNP rs2518706297, ClinGen allele CA2739268132.